The following is an entry in ClinVar:

NM_002778.4(PSAP):c.1227C>G (p.Cys409Trp)

Gene: PSAP (prosaposin; minus strand). Cytogenetic location: 10q22.1.
Variant type: single nucleotide variant.
Coding change: c.1227C>G on transcript NM_002778.4 (MANE Select); coding-DNA position 1227, C replaced by G.
Protein change: p.Cys409Trp; replaces cysteine 409 with tryptophan.
Molecular consequence: missense variant.
Genome position (GRCh38, 1-based): chr10:71,819,588, G>C on the plus strand (C>G on the coding strand, the complement: PSAP is on the minus strand). VCF-style: chr10-71819588-G-C. GRCh37 (hg19) VCF-style: chr10-73579345-G-C.
Other names: c.1236C>G, p.Cys412Trp (NM_001042465.3); c.1233C>G, p.Cys411Trp (NM_001042466.3); short protein forms C409W, C411W, C412W.
Identifiers: ClinVar variation 1414312 (VCV001414312.8), dbSNP rs147030327, ClinGen allele CA377143722.
Genomic context (GRCh38, chr10:71,819,588, plus strand): 5'-CTTGGTGCTGTTTTTCTCCAGGTTGCGATCCAAATAACCCACCAGCTTCTTGCACACTTC[G>C]CAGAAGCCACCGTCCTTTGGCTGAGTCACGTGAACTACATAAGAGGGCAGCGGGCTCAAC-3'
Protein context (NP_002769.1, residues 399-419): HVTQPKDGGF[Cys409Trp]EVCKKLVGYL

ClinVar aggregate classification (germline): Uncertain significance (1 of 4 stars; one submission).

Conditions:
Sphingolipid activator protein 1 deficiency. Also called: Saposin B Deficiency; Metachromatic leukodystrophy due to saposin B deficiency; METACHROMATIC LEUKODYSTROPHY DUE TO CEREBROSIDE SULFATASE ACTIVATOR DEFICIENCY. Identifiers: Orphanet 512, MedGen C0268262, MONDO:0009590, OMIM 249900.

Submission:

Labcorp Genetics (formerly Invitae), Labcorp
Classification: Uncertain significance for Sphingolipid activator protein 1 deficiency. Last evaluated: 2022-07-12. Review status: criteria provided, single submitter. Criteria: Invitae Variant Classification Sherloc (09022015). Collection method: clinical testing. Allele origin: germline.
Comment: Algorithms developed to predict the effect of missense changes on protein structure and function are either unavailable or do not agree on the potential impact of this missense change (SIFT: "Not Available"; PolyPhen-2: "Probably Damaging"; Align-GVGD: "Not Available"). ClinVar contains an entry for this variant (Variation ID: 1414312). This variant has not been reported in the literature in individuals affected with PSAP-related conditions. This variant is not present in population databases (gnomAD no frequency). This sequence change replaces cysteine, which is neutral and slightly polar, with tryptophan, which is neutral and slightly polar, at codon 409 of the PSAP protein (p.Cys409Trp). In summary, the available evidence is currently insufficient to determine the role of this variant in disease. Therefore, it has been classified as a Variant of Uncertain Significance.